The following is an entry in ClinVar:

ClinVar aggregate classification (germline): Pathogenic. Review status: criteria provided, multiple submitters, no conflicts (2 of 4 stars). 6 submissions from 6 submitters: Pathogenic (4). 2 of the submissions do not count toward it. Last evaluated 2025-12-17.

Conditions:
Megalencephalic leukoencephalopathy with subcortical cysts. Also called: VAN DER KNAAP DISEASE. Identifiers: Orphanet 2478, MedGen C1858854, MONDO:0011391.
Megalencephalic leukoencephalopathy with subcortical cysts 1 (MLC1). Also called: VACUOLATING MEGALENCEPHALIC LEUKOENCEPHALOPATHY WITH SUBCORTICAL CYSTS; LEUKOENCEPHALOPATHY WITH SWELLING AND CYSTS. Identifiers: Orphanet 2478, MedGen C5779875, MONDO:0024555, OMIM 604004.

Allele frequency attached by ClinVar (database versions not stated): gnomAD exomes below 0.00001; ExAC 0.00001.

Submissions (6):

Women's Health and Genetics/Laboratory Corporation of America, LabCorp
Classification: Pathogenic for Megalencephalic leukoencephalopathy with subcortical cysts. Last evaluated: 2025-12-17. Review status: criteria provided, single submitter. Criteria: LabCorp Variant Classification Summary - May 2015. Collection method: clinical testing. Allele origin: germline.
Comment: Variant summary: MLC1 c.824C>A (p.Ala275Asp) results in a non-conservative amino acid change in the encoded protein sequence. Algorithms developed to predict the effect of missense changes on protein structure and function all suggest that this variant is likely to be disruptive. The variant allele was found at a frequency of 4e-06 in 251486 control chromosomes (gnomAD). c.824C>A has been observed in multiple individuals affected with Megalencephalic Leukoencephalopathy With Subcortical Cysts 1 and this variant co-segregated with the disease (Shimada_2014, Masuda_2015, Choi_2017). These data indicate that the variant is very likely to be associated with disease. To our knowledge, no experimental evidence demonstrating an impact on protein function has been reported. The following publications have been ascertained in the context of this evaluation (PMID: 28840990, 25796299, 16470554, 27081509). ClinVar contains an entry for this variant (Variation ID: 554164). Based on the evidence outlined above, the variant was classified as pathogenic.

Natera, Inc.
Classification: Pathogenic for Megalencephalic leukoencephalopathy with subcortical cysts. Last evaluated: 2024-08-11. Review status: criteria provided, single submitter. Criteria: Natera Variant Classification Schema (03/2026). Collection method: clinical testing. Allele origin: germline.
Comment: The c.824C>A variant in MLC1 is a missense variant predicted to cause substitution of alanine to aspartic acid at amino acid 275. This variant is rare in the general population with a frequency below the threshold expected for the associated phenotype(s). This variant has been observed in one or more individuals affected with the associated recessive disease, as either homozygous or compound heterozygous with a second variant (PMID: 28840990, 16470554, 27081509). Computational prediction algorithms indicate this variant is likely to affect gene or protein function. Given the available evidence, this variant is classified as Pathogenic.

Baylor Genetics
Classification: Pathogenic for Megalencephalic leukoencephalopathy with subcortical cysts 1. Last evaluated: 2024-02-20. Review status: criteria provided, single submitter. Criteria: ACMG Guidelines, 2015. Collection method: clinical testing. Allele origin: unknown.

Labcorp Genetics (formerly Invitae), Labcorp
Classification: Pathogenic. Last evaluated: 2023-01-07. Review status: criteria provided, single submitter. Criteria: Invitae Variant Classification Sherloc (09022015). Collection method: clinical testing. Allele origin: germline.
Comment: For these reasons, this variant has been classified as Pathogenic. Advanced modeling of protein sequence and biophysical properties (such as structural, functional, and spatial information, amino acid conservation, physicochemical variation, residue mobility, and thermodynamic stability) performed at Invitae indicates that this missense variant is not expected to disrupt MLC1 protein function. ClinVar contains an entry for this variant (Variation ID: 554164). This missense change has been observed in individual(s) with megalencephalic leukoencephalopathy with subcortical cysts (PMID: 25796299, 27081509, 28840990). In at least one individual the data is consistent with being in trans (on the opposite chromosome) from a pathogenic variant. It has also been observed to segregate with disease in related individuals. This variant is present in population databases (rs764669598, gnomAD 0.006%). This sequence change replaces alanine, which is neutral and non-polar, with aspartic acid, which is acidic and polar, at codon 275 of the MLC1 protein (p.Ala275Asp).

Counsyl
Classification: Likely pathogenic for Megalencephalic leukoencephalopathy with subcortical cysts 1. Last evaluated: 2017-09-27. Review status: no assertion criteria provided. Collection method: clinical testing. Allele origin: unknown. Not counted in ClinVar's aggregate classification.

GeneReviews
No classification provided. Condition: Megalencephalic leukoencephalopathy with subcortical cysts 1. Review status: no classification provided. Collection method: literature only. Allele origin: germline. Not counted in ClinVar's aggregate classification.

Literature cited by the submitters: PubMed 16470554 (cited by 3 submitters); PubMed 27081509 (cited by 4 submitters); PubMed 28840990 (cited by 4 submitters); PubMed 25796299 (cited by Women's Health and Genetics/Laboratory Corporation of America, LabCorp and Labcorp Genetics (formerly Invitae), Labcorp); PubMed 27322623 (cited by Counsyl); NCBI Bookshelf NBK1535 (cited by GeneReviews).

NM_015166.4(MLC1):c.824C>A (p.Ala275Asp)

Gene: MLC1 (modulator of VRAC current 1; minus strand). Cytogenetic location: 22q13.33.
Variant type: single nucleotide variant.
Coding change: c.824C>A on transcript NM_015166.4 (MANE Select); coding-DNA position 824, C replaced by A.
Protein change: p.Ala275Asp; replaces alanine 275 with aspartic acid.
Molecular consequence: missense variant. On other transcripts: non-coding transcript variant (3).
Genome position (GRCh38, 1-based): chr22:50,068,503, G>T on the plus strand (C>A on the coding strand, the complement: MLC1 is on the minus strand). VCF-style: chr22-50068503-G-T. GRCh37 (hg19) VCF-style: chr22-50506932-G-T.
Other names: c.824C>A, p.Ala275Asp (NM_001376472.1, NM_001376473.1, NM_001376474.1 and 5 more transcripts); c.767C>A, p.Ala256Asp (NM_001376479.1); c.734C>A, p.Ala245Asp (NM_001376480.1); c.722C>A, p.Ala241Asp (NM_001376481.1); c.668C>A, p.Ala223Asp (NM_001376482.1, NM_001376483.1); c.587C>A, p.Ala196Asp (NM_001376484.1); short protein forms A275D, A196D, A223D, A241D, A245D, A256D.
Identifiers: ClinVar variation 554164 (VCV000554164.13), dbSNP rs764669598, ClinGen allele CA10303345.
Genomic context (GRCh38, chr22:50,068,503, plus strand): 5'-GGCGGGTAATCCTTAAACATCTCCACGATTCTCATGATGCTGAATGACAGATATCCAGAG[G>T]CTGTGAACAGCAGCGGAGACGTGAGGCTGCTTATGGCAATCAGGACCTCCACCTGGAAAA-3'
Protein context (NP_055981.1, residues 265-285): SSLTSPLLFT[Ala275Asp]SGYLSFSIMR